The following is an entry in ClinVar:

NM_015335.5(MED13L):c.601C>G (p.Gln201Glu)

Gene: MED13L (mediator complex subunit 13L; minus strand). Cytogenetic location: 12q24.21.
Variant type: single nucleotide variant.
Coding change: c.601C>G on transcript NM_015335.5 (MANE Select); coding-DNA position 601, C replaced by G.
Protein change: p.Gln201Glu; replaces glutamine 201 with glutamic acid.
Molecular consequence: missense variant.
Genome position (GRCh38, 1-based): chr12:116,022,480, G>C on the plus strand (C>G on the coding strand, the complement: MED13L is on the minus strand). VCF-style: chr12-116022480-G-C. GRCh37 (hg19) VCF-style: chr12-116460285-G-C.
Other names: short protein forms Q201E.
Identifiers: ClinVar variation 2643371 (VCV002643371.26), dbSNP rs1029377279, ClinGen allele CA386872161.

ClinVar aggregate classification (germline): Uncertain significance. Review status: criteria provided, multiple submitters, no conflicts (2 of 4 stars). 2 submissions from 2 submitters: Uncertain significance (2). Last evaluated 2024-04-22.

Conditions:
Cardiac anomalies - developmental delay - facial dysmorphism syndrome (MRFACD). Also called: Impaired intellectual development and distinctive facial features with or without cardiac defects; MED13L Syndrome. Identifiers: Orphanet 369891, MedGen C5192431, MONDO:0014773, OMIM 616789.

Allele frequency attached by ClinVar (database versions not stated): gnomAD exomes below 0.00001.
gnomAD v4.1: 1 of 1,613,780 alleles (0.000062%); highest among the groups gnomAD compares: South Asian, 0.0011%; no homozygotes.

Submissions (2):

Genomic Research Center, Shahid Beheshti University of Medical Sciences
Classification: Uncertain significance for Cardiac anomalies - developmental delay - facial dysmorphism syndrome. Last evaluated: 2024-04-22. Review status: criteria provided, single submitter. Criteria: ACMG Guidelines, 2015. Collection method: clinical testing. Allele origin: unknown. Affected: yes.

CeGaT Center for Human Genetics Tuebingen
Classification: Uncertain significance. Last evaluated: 2023-09-01. Review status: criteria provided, single submitter. Criteria: CeGaT Center For Human Genetics Tuebingen Variant Classification Criteria Version 2. Collection method: clinical testing. Allele origin: germline. Affected: yes. Observed: 1 variant allele.
Comment: MED13L: PM2